The following is an entry in ClinVar:

NM_002496.4(NDUFS8):c.347T>C (p.Leu116Pro)

Gene: NDUFS8 (NADH:ubiquinone oxidoreductase core subunit S8; plus strand). Cytogenetic location: 11q13.2.
Variant type: single nucleotide variant.
Coding change: c.347T>C on transcript NM_002496.4 (MANE Select); coding-DNA position 347, T replaced by C.
Protein change: p.Leu116Pro; replaces leucine 116 with proline.
Molecular consequence: missense variant.
Genome position (GRCh38, 1-based): chr11:68,033,258, T>C. VCF-style: chr11-68033258-T-C. GRCh37 (hg19) VCF-style: chr11-67800725-T-C.
Other names: short protein forms L116P.
Identifiers: ClinVar variation 1302698 (VCV001302698.2), dbSNP rs2134414582, ClinGen allele CA381567381.

ClinVar aggregate classification (germline): Uncertain significance (1 of 4 stars; one submission).

Allele frequency attached by ClinVar (database versions not stated): gnomAD exomes below 0.00001.
gnomAD v4.1: 1 of 1,608,900 alleles (0.000062%); highest among the groups gnomAD compares: East Asian, 0.0022%; no homozygotes.

Submission:

GeneDx
Classification: Uncertain significance. Last evaluated: 2019-05-06. Review status: criteria provided, single submitter. Criteria: GeneDx Variant Classification Process June 2021. Collection method: clinical testing. Allele origin: germline. Affected: yes.
Comment: Has not been previously published as pathogenic or benign to our knowledge; In silico analysis, which includes protein predictors and evolutionary conservation, supports a deleterious effect; Not observed in large population cohorts (Lek et al., 2016)